The following is an entry in ClinVar:

NM_000377.3(WAS):c.559+5G>A

Gene: WAS (WASP actin nucleation promoting factor; plus strand). Cytogenetic location: Xp11.23.
Variant type: single nucleotide variant.
Coding change: c.559+5G>A on transcript NM_000377.3 (MANE Select); 5 bases into the intron after coding-DNA position 559, G replaced by A.
Molecular consequence: intron variant.
Genome position (GRCh38, 1-based): chrX:48,686,139, G>A. VCF-style: chrX-48686139-G-A. GRCh37 (hg19) VCF-style: chrX-48544528-G-A.
Other names: IVS6DS, G-A, +5.
Identifiers: ClinVar variation 372545 (VCV000372545.13), dbSNP rs886039451, ClinGen allele CA16043320.

ClinVar aggregate classification (germline): Pathogenic. Review status: criteria provided, multiple submitters, no conflicts (2 of 4 stars). 8 submissions from 7 submitters: Pathogenic (6). 2 of the submissions do not count toward it. Last evaluated 2025-12-15.

Conditions:
Thrombocytopenia 1. Also called: X-linked thrombocytopenia with normal platelets; THROMBOCYTOPENIA, X-LINKED, 1; X-Linked Thrombocytopenia (XLT). Identifiers: Orphanet 268322, Orphanet 852, MedGen C1839163, MONDO:0010743, OMIM 313900.
Wiskott-Aldrich syndrome (WAS). Also called: Wiskott-aldrich syndrome, somatic; ALDRICH SYNDROME; IMMUNODEFICIENCY 2; WISKOTT-ALDRICH SYNDROME 1. Identifiers: Orphanet 906, MedGen C0043194, MONDO:0010518, OMIM 301000.
X-linked severe congenital neutropenia (SCNX). Identifiers: Orphanet 86788, MedGen C1845987, MONDO:0010294, OMIM 300299.

Allele frequency attached by ClinVar (database versions not stated): gnomAD exomes below 0.00001.

Submissions (8):

Labcorp Genetics (formerly Invitae), Labcorp
Classification: Pathogenic for Wiskott-Aldrich syndrome; X-linked severe congenital neutropenia; Thrombocytopenia 1. Last evaluated: 2025-12-15. Review status: criteria provided, single submitter. Criteria: Invitae Variant Classification Sherloc (09022015). Collection method: clinical testing. Allele origin: germline.
Comment: This sequence change falls in intron 6 of the WAS gene. It does not directly change the encoded amino acid sequence of the WAS protein. It affects a nucleotide within the consensus splice site. This variant is not present in population databases (gnomAD no frequency). This variant has been observed in individuals with clinical features of Wiskott-Aldrich syndrome (PMID: 7753869, 9326235, 10447259, 12199801, 15284122, 20173115, 22038941, 23023736). It has also been observed to segregate with disease in related individuals. This variant is also known as IVS6+5g>a. ClinVar contains an entry for this variant (Variation ID: 372545). Variants that disrupt the consensus splice site are a relatively common cause of aberrant splicing (PMID: 17576681, 9536098). Algorithms developed to predict the effect of sequence changes on RNA splicing suggest that this variant may disrupt the consensus splice site. For these reasons, this variant has been classified as Pathogenic.

Genetics Laboratory, Great Ormond Street Hospital NHS Foundation Trust, North Thames Genomic Laboratory Hub
Classification: Pathogenic for Wiskott-Aldrich syndrome. Last evaluated: 2025-08-22. Review status: criteria provided, single submitter. Criteria: ACGS Best Practice Guidelines for Variant Classification in Rare Disease 2024 v1.2. Collection method: clinical testing. Allele origin: germline. Affected: yes.
Comment: PS4_moderate, PM2_moderate, PVS1_moderate, PP4_strong

Mayo Clinic Laboratories, Mayo Clinic
Classification: Pathogenic. Last evaluated: 2025-08-06. Review status: criteria provided, single submitter. Criteria: ACMG Guidelines, 2015. Collection method: clinical testing. Allele origin: germline. Observed: 2 variant alleles.
Comment: PP1_strong, PM2_supporting, PVS1

Center for Genomic Medicine, Rigshospitalet, Copenhagen University Hospital
Classification: Pathogenic. Last evaluated: 2025-03-04. Review status: criteria provided, single submitter. Criteria: ACMG Guidelines, 2015. Collection method: clinical testing. Allele origin: germline.

Women's Health and Genetics/Laboratory Corporation of America, LabCorp
Classification: Pathogenic for Thrombocytopenia 1. Last evaluated: 2022-08-02. Review status: criteria provided, single submitter. Criteria: LabCorp Variant Classification Summary - May 2015. Collection method: clinical testing. Allele origin: germline.
Comment: Variant summary: WAS c.559+5G>A, located in intron 6, alters a conserved nucleotide located close to a canonical splice site and therefore could affect mRNA splicing, leading to a significantly altered protein sequence. Several computational tools predict a significant impact on normal splicing: One predicts the variant abolishes a canonical 5' splicing donor site and three predict the variant weakens the 5' donor site. Indeed, multiple studies have provided experimental evidence to show that the variant affects mRNA splicing, resulting in an insertion of 38 nucleotides from intron 6, leading to a frameshift and premature stop codon in approximately 70% of transcripts (e.g. Kwan_1995, Zhu_1997, Inoue_2002, Jin_2004). The variant was absent in 183039 control chromosomes (gnomAD and Kwan_1995). c.559+5G>A has been reported in the literature in multiple individuals and families affected with X-Linked Thrombocytopenia and Wiskott-Aldrich syndrome (e.g. Kwan_1995, Zhu_1997, Inoue_2002, Jin_2004, Shcherbina_2010, Albert_2010). These data indicate that the variant is very likely to be associated with disease. Two clinical diagnostic laboratories have submitted clinical-significance assessments for this variant to ClinVar after 2014 and both classified the variant as pathogenic. Based on the evidence outlined above, the variant was classified as pathogenic.

GeneDx
Classification: Pathogenic. Last evaluated: 2015-12-24. Review status: criteria provided, single submitter. Criteria: GeneDx Variant Classification (06012015). Collection method: clinical testing. Allele origin: germline. Affected: yes.
Comment: The c.559+5 G>A splice site variant in the WAS gene has been previously reported in association with WAS-related disorders (Zhu et al., 1997; Yoshimi et al., 2013; GulÃ¡csy et al., 2011; Jin et al., 2004). This variant destroys the native splice donor site of intron 6. Functional studies of the c.559+5 G>A mutation have shown that it leads to a premature stop codon, incomplete and abnormal splicing, reduced levels of WAS protein, and a milder phenotype (Zhu et al., 1997; Yoon et al., 2012; Albert et al., 2010; Jin et al., 2004). Therefore, we interpret this variant as pathogenic.

OMIM
Classification: Pathogenic for WISKOTT-ALDRICH SYNDROME. Last evaluated: 2002-09-01. Review status: no assertion criteria provided. Collection method: literature only. Allele origin: germline. Not counted in ClinVar's aggregate classification.

OMIM
Classification: Pathogenic for THROMBOCYTOPENIA, X-LINKED, 1. Last evaluated: 2002-09-01. Review status: no assertion criteria provided. Collection method: literature only. Allele origin: germline. Not counted in ClinVar's aggregate classification.

Literature cited by the submitters: PubMed 7753869 (cited by Labcorp Genetics (formerly Invitae), Labcorp and Women's Health and Genetics/Laboratory Corporation of America, LabCorp); PubMed 9326235 (cited by 4 submitters); PubMed 10447259 (cited by 3 submitters); PubMed 12199801 (cited by 5 submitters); PubMed 15284122 (cited by 4 submitters); PubMed 20173115 (cited by 4 submitters); PubMed 22038941 (cited by 3 submitters); PubMed 23023736 (cited by Labcorp Genetics (formerly Invitae), Labcorp); PubMed 17576681 (cited by Labcorp Genetics (formerly Invitae), Labcorp); PubMed 9536098 (cited by Labcorp Genetics (formerly Invitae), Labcorp); PubMed 12969986 (cited by Mayo Clinic Laboratories, Mayo Clinic); PubMed 21185603 (cited by Mayo Clinic Laboratories, Mayo Clinic); PubMed 17390083 (cited by Center for Genomic Medicine, Rigshospitalet, Copenhagen University Hospital); PubMed 9126958 (cited by Women's Health and Genetics/Laboratory Corporation of America, LabCorp); PubMed 17703096 (cited by Women's Health and Genetics/Laboratory Corporation of America, LabCorp); PubMed 19308710 (cited by Women's Health and Genetics/Laboratory Corporation of America, LabCorp); PubMed 19863535 (cited by Women's Health and Genetics/Laboratory Corporation of America, LabCorp); PubMed 17400488 (cited by Women's Health and Genetics/Laboratory Corporation of America, LabCorp); PubMed 8595430 (cited by OMIM); PubMed 38579284 (cited by OMIM).